The following is an entry in ClinVar:

ClinVar aggregate classification (germline): Conflicting classifications of pathogenicity. Review status: criteria provided, conflicting classifications (1 of 4 stars). 3 submissions from 3 submitters: Uncertain significance (2); Likely benign (1). Last evaluated 2025-12-18.

Allele frequency attached by ClinVar (database versions not stated): TOPMed 0.00006; 1000 Genomes Project 30x 0.00031.
gnomAD v4.1: 41 of 1,614,138 alleles (0.0025%); highest among the groups gnomAD compares: Admixed American, 0.02%; no homozygotes.

Submissions (3):

Labcorp Genetics (formerly Invitae), Labcorp
Classification: Likely benign. Last evaluated: 2025-12-18. Review status: criteria provided, single submitter. Criteria: Invitae Variant Classification Sherloc (09022015). Collection method: clinical testing. Allele origin: germline.

ARUP Laboratories, Molecular Genetics and Genomics, ARUP Laboratories
Classification: Uncertain significance. Last evaluated: 2018-02-15. Review status: criteria provided, single submitter. Criteria: ARUP Molecular Germline Variant Investigation Process. Collection method: clinical testing. Allele origin: germline.
Comment: The OTOF c.5479C>T; p.Arg1827Trp variant (rs142748621), to our knowledge, is not reported in the medical literature, gene specific variation databases, nor has it been previously identified by our laboratory. This variant is listed in the genome Aggregation Database (gnomAD) with an overall population frequency of 0.005% (identified on 14 out of 277,174 chromosomes) and is classified as a variant of uncertain significance in ClinVar (ID: 229081). The arginine at position 1827 is moderately conserved, considering 12 species, and computational analyses of the effects of the p.Arg1827Trpvariant on protein structure and function make conflicting predictions (SIFT: tolerated, PolyPhen-2: probably damaging). Based on the available information, the clinical significance of the p.Arg1827Trpvariant cannot be determined with certainty.

Laboratory for Molecular Medicine, Mass General Brigham Personalized Medicine
Classification: Uncertain significance. Last evaluated: 2016-02-02. Review status: criteria provided, single submitter. Criteria: LMM Criteria. Collection method: clinical testing. Allele origin: germline. Observed: 1 variant allele.
Comment: The p.Arg1827Trp variant in OTOF has not been previously reported in individuals with hearing loss, but has been identified in 3/11578 Latino chromosomes by the Exome Aggregation Consortium (ExAC; dbSNP rs142 748621). Computational prediction tools and conservation analysis suggest that t his variant may impact the protein, though this information is not predictive en ough to determine pathogenicity. In summary, the clinical significance of the p. Arg1827Trp variant is uncertain.

NM_194248.3(OTOF):c.5479C>T (p.Arg1827Trp)

Gene: OTOF (otoferlin; minus strand). Cytogenetic location: 2p23.3.
Variant type: single nucleotide variant.
Coding change: c.5479C>T on transcript NM_194248.3 (MANE Select); coding-DNA position 5479, C replaced by T.
Protein change: p.Arg1827Trp; replaces arginine 1827 with tryptophan.
Molecular consequence: missense variant.
Genome position (GRCh38, 1-based): chr2:26,461,750, G>A on the plus strand (C>T on the coding strand, the complement: OTOF is on the minus strand). VCF-style: chr2-26461750-G-A. GRCh37 (hg19) VCF-style: chr2-26684618-G-A.
Other names: c.5479C>T, p.Arg1827Trp (NM_001287489.2); c.3178C>T, p.Arg1060Trp (NM_004802.4, NM_194323.3); c.3409C>T, p.Arg1137Trp (NM_194322.3); short protein forms R1827W, R1060W, R1137W.
Identifiers: ClinVar variation 229081 (VCV000229081.17), dbSNP rs142748621, ClinGen allele CA1562811.